The following is an entry in ClinVar:

ClinVar aggregate classification (germline): Uncertain significance (1 of 4 stars; one submission).

Allele frequency attached by ClinVar (database versions not stated): TOPMed below 0.00001; gnomAD exomes 0.00001.
gnomAD v4.1: 4 of 1,614,122 alleles (0.00025%); highest among the groups gnomAD compares: Admixed American, 0.0033%; no homozygotes.

Submission:

Labcorp Genetics (formerly Invitae), Labcorp
Classification: Uncertain significance. Last evaluated: 2022-06-18. Review status: criteria provided, single submitter. Criteria: Invitae Variant Classification Sherloc (09022015). Collection method: clinical testing. Allele origin: germline.
Comment: This sequence change replaces aspartic acid, which is acidic and polar, with glycine, which is neutral and non-polar, at codon 922 of the SLC12A3 protein (p.Asp922Gly). This variant is present in population databases (no rsID available, gnomAD 0.006%). This variant has not been reported in the literature in individuals affected with SLC12A3-related conditions. Advanced modeling of protein sequence and biophysical properties (such as structural, functional, and spatial information, amino acid conservation, physicochemical variation, residue mobility, and thermodynamic stability) performed at Invitae indicates that this missense variant is not expected to disrupt SLC12A3 protein function. In summary, the available evidence is currently insufficient to determine the role of this variant in disease. Therefore, it has been classified as a Variant of Uncertain Significance.

NM_001126108.2(SLC12A3):c.2738A>G (p.Asp913Gly)

Gene: SLC12A3 (solute carrier family 12 member 3; plus strand). Cytogenetic location: 16q13.
Variant type: single nucleotide variant.
Coding change: c.2738A>G on transcript NM_001126108.2 (MANE Select); coding-DNA position 2738, A replaced by G.
Protein change: p.Asp913Gly; replaces aspartic acid 913 with glycine.
Molecular consequence: missense variant.
Genome position (GRCh38, 1-based): chr16:56,902,390, A>G. VCF-style: chr16-56902390-A-G. GRCh37 (hg19) VCF-style: chr16-56936302-A-G.
Other names: c.2765A>G, p.Asp922Gly (NM_000339.3); c.2762A>G, p.Asp921Gly (NM_001126107.2); c.2735A>G, p.Asp912Gly (NM_001410896.1); short protein forms D912G, D922G, D921G, D913G.
Identifiers: ClinVar variation 2166303 (VCV002166303.1), dbSNP rs1166101202, ClinGen allele CA396001097.